The following is an entry in ClinVar:

NM_005219.5(DIAPH1):c.2287C>G (p.Leu763Val)

Gene: DIAPH1 (diaphanous related formin 1; minus strand). Cytogenetic location: 5q31.3.
Variant type: single nucleotide variant.
Coding change: c.2287C>G on transcript NM_005219.5 (MANE Select); coding-DNA position 2287, C replaced by G.
Protein change: p.Leu763Val; replaces leucine 763 with valine.
Molecular consequence: missense variant.
Genome position (GRCh38, 1-based): chr5:141,573,563, G>C on the plus strand (C>G on the coding strand, the complement: DIAPH1 is on the minus strand). VCF-style: chr5-141573563-G-C. GRCh37 (hg19) VCF-style: chr5-140953130-G-C.
Other names: c.2260C>G, p.Leu754Val (NM_001079812.3); c.2287C>G, p.Leu763Val (NM_001314007.2); short protein forms L754V, L763V.
Identifiers: ClinVar variation 2952129 (VCV002952129.3), dbSNP rs2513738302, ClinGen allele CA361516690.

ClinVar aggregate classification (germline): Uncertain significance (1 of 4 stars; one submission).

Conditions:
Autosomal dominant nonsyndromic hearing loss 1. Also called: KONIGSMARK SYNDROME; DEAFNESS, AUTOSOMAL DOMINANT 1, WITH OR WITHOUT THROMBOCYTOPENIA. Identifiers: Orphanet 90635, MedGen C1852282, MONDO:0007424, OMIM 124900.
Progressive microcephaly-seizures-cortical blindness-developmental delay syndrome. Also called: Seizures, cortical blindness, and microcephaly syndrome. Identifiers: Orphanet 477814, MedGen C5567650, MONDO:0014714, OMIM 616632.

Allele frequency attached by ClinVar (database versions not stated): gnomAD exomes below 0.00001.
gnomAD v4.1: 1 of 1,613,794 alleles (0.000062%); highest among the groups gnomAD compares: Non-Finnish European, 0.000085%; no homozygotes.

Submission:

Labcorp Genetics (formerly Invitae), Labcorp
Classification: Uncertain significance for Progressive microcephaly-seizures-cortical blindness-developmental delay syndrome; Autosomal dominant nonsyndromic hearing loss 1. Last evaluated: 2024-02-26. Review status: criteria provided, single submitter. Criteria: Invitae Variant Classification Sherloc (09022015). Collection method: clinical testing. Allele origin: germline.
Comment: This sequence change replaces leucine, which is neutral and non-polar, with valine, which is neutral and non-polar, at codon 763 of the DIAPH1 protein (p.Leu763Val). This variant is not present in population databases (gnomAD no frequency). This variant has not been reported in the literature in individuals affected with DIAPH1-related conditions. An algorithm developed to predict the effect of missense changes on protein structure and function (PolyPhen-2) suggests that this variant is likely to be disruptive. In summary, the available evidence is currently insufficient to determine the role of this variant in disease. Therefore, it has been classified as a Variant of Uncertain Significance.